The following is an entry in ClinVar:

NM_001289125.3(IFNAR2):c.136C>T (p.Arg46Ter)

Genes: IFNAR2 (interferon alpha and beta receptor subunit 2; plus strand), IFNAR2-IL10RB (IFNAR2-IL10RB readthrough; plus strand). Cytogenetic location: 21q22.11.
Variant type: single nucleotide variant.
Coding change: c.136C>T on transcript NM_001289125.3 (MANE Select); coding-DNA position 136, C replaced by T.
Protein change: p.Arg46Ter; replaces arginine 46 with a stop codon.
Molecular consequence: nonsense.
Genome position (GRCh38, 1-based): chr21:33,244,989, C>T. VCF-style: chr21-33244989-C-T. GRCh37 (hg19) VCF-style: chr21-34617294-C-T.
Other names: c.136C>T, p.Arg46Ter (NM_001414505.1, NM_000874.5, NM_001289126.2 and 5 more transcripts); short protein forms R46*.
Identifiers: ClinVar variation 1929034 (VCV001929034.5), dbSNP rs778657924, ClinGen allele CA10005567.
Genomic context (GRCh38, chr21:33,244,989, plus strand): 5'-CCCTTTTTCTTCTTCTCTTTAGATTACACAGATGAATCTTGCACTTTCAAGATATCATTG[C>T]GAAATTTCCGGTCCATCTTATCATGGGAATTAAAAAACCACTCCATTGTACCAACTCACT-3'

ClinVar aggregate classification (germline): Pathogenic (1 of 4 stars; one submission).

Allele frequency attached by ClinVar (database versions not stated): ExAC 0.00002; TOPMed 0.00002; gnomAD 0.00003.
gnomAD v4.1: 42 of 1,611,390 alleles (0.0026%); highest among the groups gnomAD compares: African/African-American, 0.0067%; no homozygotes.

Submission:

Labcorp Genetics (formerly Invitae), Labcorp
Classification: Pathogenic. Last evaluated: 2024-10-03. Review status: criteria provided, single submitter. Criteria: Invitae Variant Classification Sherloc (09022015). Collection method: clinical testing. Allele origin: germline.
Comment: This sequence change creates a premature translational stop signal (p.Arg46*) in the IFNAR2 gene. It is expected to result in an absent or disrupted protein product. Loss-of-function variants in IFNAR2 are known to be pathogenic (PMID: 26424569, 33193576). This variant is present in population databases (rs778657924, gnomAD 0.004%). This variant has not been reported in the literature in individuals affected with IFNAR2-related conditions. ClinVar contains an entry for this variant (Variation ID: 1929034). For these reasons, this variant has been classified as Pathogenic.

Literature cited by the submitters: PubMed 26424569; PubMed 33193576.